The following is an entry in ClinVar:

ClinVar aggregate classification (germline): Uncertain significance. Review status: criteria provided, multiple submitters, no conflicts (2 of 4 stars). 2 submissions from 2 submitters: Uncertain significance (2). Last evaluated 2025-05-29.

Conditions:
Wiedemann-Steiner syndrome (WDSTS). Also called: Growth deficiency and mental retardation with facial dysmorphism. Identifiers: Orphanet 319182, MedGen C1854630, MONDO:0011518, OMIM 605130.

Allele frequency attached by ClinVar (database versions not stated): gnomAD exomes 0.00001; gnomAD 0.00002; TOPMed 0.00002.

Submissions (2):

Labcorp Genetics (formerly Invitae), Labcorp
Classification: Uncertain significance. Last evaluated: 2025-05-29. Review status: criteria provided, single submitter. Criteria: Invitae Variant Classification Sherloc (09022015). Collection method: clinical testing. Allele origin: germline.
Comment: This sequence change replaces serine, which is neutral and polar, with asparagine, which is neutral and polar, at codon 3030 of the KMT2A protein (p.Ser3030Asn). This variant is present in population databases (no rsID available, gnomAD 0.0009%). This variant has not been reported in the literature in individuals affected with KMT2A-related conditions. ClinVar contains an entry for this variant (Variation ID: 1416059). Invitae Evidence Modeling of protein sequence and biophysical properties (such as structural, functional, and spatial information, amino acid conservation, physicochemical variation, residue mobility, and thermodynamic stability) indicates that this missense variant is not expected to disrupt KMT2A protein function with a negative predictive value of 95%. In summary, the available evidence is currently insufficient to determine the role of this variant in disease. Therefore, it has been classified as a Variant of Uncertain Significance.

Fulgent Genetics
Classification: Uncertain significance for Wiedemann-Steiner syndrome. Last evaluated: 2023-12-28. Review status: criteria provided, single submitter. Criteria: ACMG Guidelines, 2015. Collection method: clinical testing. Allele origin: germline.

NM_001197104.2(KMT2A):c.9089G>A (p.Ser3030Asn)

Gene: KMT2A (lysine methyltransferase 2A; plus strand). Cytogenetic location: 11q23.3.
Variant type: single nucleotide variant.
Coding change: c.9089G>A on transcript NM_001197104.2 (MANE Select); coding-DNA position 9089, G replaced by A.
Protein change: p.Ser3030Asn; replaces serine 3030 with asparagine.
Molecular consequence: missense variant.
Genome position (GRCh38, 1-based): chr11:118,504,981, G>A. VCF-style: chr11-118504981-G-A. GRCh37 (hg19) VCF-style: chr11-118375696-G-A.
Other names: c.9080G>A, p.Ser3027Asn (NM_005933.4); short protein forms S3027N, S3030N.
Identifiers: ClinVar variation 1416059 (VCV001416059.7), dbSNP rs1485835645, ClinGen allele CA382818261.
Genomic context (GRCh38, chr11:118,504,981, plus strand): 5'-CTCCTTGTGGTTCAGTAGAGCAAGGTCATGGCAACAATCAGGATTTAACTAGGAACAGTA[G>A]CACCCCTGGCCTTCAGGTACCTGTTTCCCCAACTGTTCCCATCCAGAACCAGAAGTATGT-3'
Protein context (NP_001184033.1, residues 3020-3040): GNNQDLTRNS[Ser3030Asn]TPGLQVPVSP